The following is an entry in ClinVar:

ClinVar aggregate classification (germline): Uncertain significance (1 of 4 stars; one submission).

Conditions:
Inborn genetic diseases. Identifiers: MedGen C0950123, MeSH D030342.

gnomAD v4.1: 1 of 1,614,138 alleles (0.000062%); highest among the groups gnomAD compares: South Asian, 0.0011%; no homozygotes.

Submission:

Ambry Genetics
Classification: Uncertain significance for Inborn genetic diseases. Last evaluated: 2025-10-22. Review status: criteria provided, single submitter. Criteria: Ambry Variant Classification Scheme 2023. Collection method: clinical testing. Allele origin: germline.
Comment: The p.L1386I variant (also known as c.4156C>A), located in coding exon 41 of the FANCA gene, results from a C to A substitution at nucleotide position 4156. The leucine at codon 1386 is replaced by isoleucine, an amino acid with highly similar properties. This amino acid position is conserved. In addition, this alteration is predicted to be tolerated by in silico analysis. Based on the available evidence, the clinical significance of this variant remains unclear.

NM_000135.4(FANCA):c.4156C>A (p.Leu1386Ile)

Genes: FANCA (FA complementation group A; minus strand), ZNF276 (zinc finger protein 276; plus strand). Cytogenetic location: 16q24.3.
Variant type: single nucleotide variant.
Coding change: c.4156C>A on transcript NM_000135.4 (MANE Select); coding-DNA position 4156, C replaced by A.
Protein change: p.Leu1386Ile; replaces leucine 1386 with isoleucine.
Molecular consequence: missense variant. On other transcripts: 3 prime UTR variant (2), non-coding transcript variant (4).
Genome position (GRCh38, 1-based): chr16:89,739,144, G>T on the plus strand (C>A on the coding strand, the complement: FANCA is on the minus strand). VCF-style: chr16-89739144-G-T. GRCh37 (hg19) VCF-style: chr16-89805552-G-T.
Other names: c.4156C>A, p.Leu1386Ile (NM_001286167.3); c.*898G>T (NM_001113525.2, NM_152287.4); short protein forms L1386I.
Identifiers: ClinVar variation 4619217 (VCV004619217.1).